The following is an entry in ClinVar:

ClinVar aggregate classification (germline): Likely pathogenic (1 of 4 stars; one submission).

Conditions:
Thyroid hormone resistance, generalized, autosomal dominant (GRTHD). Also called: HYPERTHYROXINEMIA, FAMILIAL EUTHYROID, SECONDARY TO PITUITARY AND PERIPHERAL RESISTANCE TO THYROID HORMONES. Identifiers: MedGen C2937288, MONDO:0008569, OMIM 188570.

Submission:

Women's Health and Genetics/Laboratory Corporation of America, LabCorp
Classification: Likely pathogenic for Thyroid hormone resistance, generalized, autosomal dominant. Last evaluated: 2023-06-09. Review status: criteria provided, single submitter. Criteria: LabCorp Variant Classification Summary - May 2015. Collection method: clinical testing. Allele origin: germline.
Comment: Variant summary: THRB c.1358C>T (p.Pro453Leu) results in a non-conservative amino acid change located in the ligand-binding domain (IPR000536) of the encoded protein sequence. Five of five in-silico tools predict a damaging effect of the variant on protein function. The variant was absent in 251490 control chromosomes (gnomAD). c.1358C>T has been reported in the literature in three individuals (two siblings and their father) affected with Thyroid Hormone Resistance and was found to segregate with the disease phenotype in this family in an autosomal dominant pattern (Rivolta_2009, Chiesa_2012). These data indicate that the variant is likely associated with disease. At least one publication reports experimental evidence evaluating an impact on protein function and found the variant had a reduced affinity for T3 and resulted in a decreased induction of expression from T3 response elements compared to the WT protein (Zavacki_1993). Additionally, several variants affecting the same amino acid (Pro453Ser, Pro453Thr, Pro453Ala) have been classified as pathogenic, suggesting Pro453 is important for protein function. The following publications have been ascertained in the context of this evaluation (PMID: 21870171, 19268523, 8264663). No clinical diagnostic laboratories have submitted clinical-significance assessments for this variant to ClinVar after 2014. Based on the evidence outlined above, the variant was classified as likely pathogenic.

Literature cited by the submitters: PubMed 21870171; PubMed 19268523; PubMed 8264663.

NM_001354712.2(THRB):c.1358C>T (p.Pro453Leu)

Gene: THRB (thyroid hormone receptor beta; minus strand). Cytogenetic location: 3p24.2.
Variant type: single nucleotide variant.
Coding change: c.1358C>T on transcript NM_001354712.2 (MANE Select); coding-DNA position 1358, C replaced by T.
Protein change: p.Pro453Leu; replaces proline 453 with leucine.
Molecular consequence: missense variant.
Genome position (GRCh38, 1-based): chr3:24,122,912, G>A on the plus strand (C>T on the coding strand, the complement: THRB is on the minus strand). VCF-style: chr3-24122912-G-A. GRCh37 (hg19) VCF-style: chr3-24164403-G-A.
Other names: c.1358C>T, p.Pro453Leu (NM_000461.5, NM_001128176.3, NM_001128177.2 and 11 more transcripts); c.1265C>T, p.Pro422Leu (NM_001354714.2, NM_001354715.2); c.1187C>T, p.Pro396Leu (NM_001374827.1); short protein forms P396L, P422L, P453L.
Identifiers: ClinVar variation 2573412 (VCV002573412.1), dbSNP rs121918687, ClinGen allele CA351886497.